The following is an entry in ClinVar:

NM_022552.5(DNMT3A):c.759C>T (p.Pro253=)

Gene: DNMT3A (DNA methyltransferase 3 alpha; minus strand). Cytogenetic location: 2p23.3.
Variant type: single nucleotide variant.
Coding change: c.759C>T on transcript NM_022552.5 (MANE Select); coding-DNA position 759, C replaced by T.
Protein change: p.Pro253=; no amino-acid change (proline 253 retained).
Molecular consequence: synonymous variant. On other transcripts: non-coding transcript variant (1).
Genome position (GRCh38, 1-based): chr2:25,248,133, G>A on the plus strand (C>T on the coding strand, the complement: DNMT3A is on the minus strand). VCF-style: chr2-25248133-G-A. GRCh37 (hg19) VCF-style: chr2-25471002-G-A.
Other names: c.759C>T, p.Pro253= (NM_175629.2); c.303C>T, p.Pro101= (NM_001320893.1); c.90C>T, p.Pro30= (NM_001375819.1); c.192C>T, p.Pro64= (NM_153759.3); c.759C>T (NM_022552.3).
Identifiers: ClinVar variation 434955 (VCV000434955.21), dbSNP rs77558739, ClinGen allele CA1556308.

ClinVar aggregate classification (germline): Benign/Likely benign. Review status: criteria provided, multiple submitters, no conflicts (2 of 4 stars). 5 submissions from 5 submitters: Benign (2); Likely benign (2). 1 of the submissions does not count toward it. Last evaluated 2026-01-13.

Conditions:
DNMT3A-related disorder. Also called: DNMT3A-related disorders; DNMT3A-related condition.
Inborn genetic diseases. Identifiers: MedGen C0950123, MeSH D030342.
Tatton-Brown-Rahman overgrowth syndrome. Also called: Tatton-Brown-Rahman syndrome; Tall stature-intellectual disability-facial dysmorphism syndrome. Identifiers: Orphanet 404443, MedGen C4014545, MONDO:0014382, OMIM 615879.

Allele frequency attached by ClinVar (database versions not stated): gnomAD exomes 0.00065; ExAC 0.00216; 1000 Genomes Project 30x 0.00703; 1000 Genomes Project 0.00739; gnomAD 0.00759; TOPMed 0.00776; ESP Exome Variant Server 0.00823.
gnomAD v4.1: 2,080 of 1,613,710 alleles (0.13%); highest among the groups gnomAD compares: African/African-American, 2.4%; 23 homozygotes.

Submissions (5):

Labcorp Genetics (formerly Invitae), Labcorp
Classification: Benign for Tatton-Brown-Rahman overgrowth syndrome. Last evaluated: 2026-01-13. Review status: criteria provided, single submitter. Criteria: Invitae Variant Classification Sherloc (09022015). Collection method: clinical testing. Allele origin: germline.

Ambry Genetics
Classification: Likely benign for Inborn genetic diseases. Last evaluated: 2024-10-02. Review status: criteria provided, single submitter. Criteria: Ambry Variant Classification Scheme 2023. Collection method: clinical testing. Allele origin: germline.

GeneDx
Classification: Likely benign. Last evaluated: 2021-03-12. Review status: criteria provided, single submitter. Criteria: GeneDx Variant Classification Process June 2021. Collection method: clinical testing. Allele origin: germline. Affected: yes.

Genetic Services Laboratory, University of Chicago
Classification: Benign. Last evaluated: 2017-04-24. Review status: criteria provided, single submitter. Criteria: ACMG Guidelines, 2015. Collection method: clinical testing. Allele origin: germline. Affected: no.

PreventionGenetics, part of Exact Sciences
Classification: Benign for DNMT3A-related condition. Last evaluated: 2021-05-26. Review status: no assertion criteria provided. Collection method: clinical testing. Allele origin: germline. Not counted in ClinVar's aggregate classification.
Comment: This variant is classified as benign based on ACMG/AMP sequence variant interpretation guidelines (Richards et al. 2015 PMID: 25741868, with internal and published modifications).